The following is an entry in ClinVar:

NM_022455.5(NSD1):c.4760G>C (p.Arg1587Pro)

Gene: NSD1 (nuclear receptor binding SET domain protein 1; plus strand). Cytogenetic location: 5q35.3.
Variant type: single nucleotide variant.
Coding change: c.4760G>C on transcript NM_022455.5 (MANE Select); coding-DNA position 4760, G replaced by C.
Protein change: p.Arg1587Pro; replaces arginine 1587 with proline.
Molecular consequence: missense variant.
Genome position (GRCh38, 1-based): chr5:177,251,848, G>C. VCF-style: chr5-177251848-G-C. GRCh37 (hg19) VCF-style: chr5-176678849-G-C.
Other names: c.3887G>C, p.Arg1296Pro (NM_001365684.2, NM_001409306.1, NM_001409307.1 and 3 more transcripts); c.4760G>C, p.Arg1587Pro (NM_001409301.1, NM_001409302.1, NM_001409303.1); c.4340G>C, p.Arg1447Pro (NM_001409304.1); c.4007G>C, p.Arg1336Pro (NM_001409305.1); short protein forms R1296P, R1336P, R1447P, R1587P.
Identifiers: ClinVar variation 4976298 (VCV004976298.1).

ClinVar aggregate classification (germline): Uncertain significance (1 of 4 stars; one submission).

Submission:

GeneDx
Classification: Uncertain significance. Last evaluated: 2026-02-05. Review status: criteria provided, single submitter. Criteria: GeneDx Variant Classification Process June 2021. Collection method: clinical testing. Allele origin: germline.
Comment: Not observed at significant frequency in large population cohorts (gnomAD); In silico analysis suggests that this missense variant does not alter protein structure/function; Has not been previously published as pathogenic or benign to our knowledge